The following is an entry in ClinVar:

NM_014585.6(SLC40A1):c.421A>C (p.Asn141His)

Gene: SLC40A1 (solute carrier family 40 member 1; minus strand). Cytogenetic location: 2q32.2.
Variant type: single nucleotide variant.
Coding change: c.421A>C on transcript NM_014585.6 (MANE Select); coding-DNA position 421, A replaced by C.
Protein change: p.Asn141His; replaces asparagine 141 with histidine.
Molecular consequence: missense variant.
Genome position (GRCh38, 1-based): chr2:189,571,808, T>G on the plus strand (A>C on the coding strand, the complement: SLC40A1 is on the minus strand). VCF-style: chr2-189571808-T-G. GRCh37 (hg19) VCF-style: chr2-190436534-T-G.
Other names: short protein forms N141H.
Identifiers: ClinVar variation 4709714 (VCV004709714.1).

ClinVar aggregate classification (germline): Uncertain significance (1 of 4 stars; one submission).

Conditions:
Hemochromatosis type 4 (HFE4). Also called: Ferroportin disease; HEMOCHROMATOSIS DUE TO DEFECT IN FERROPORTIN; HEMOCHROMATOSIS, AUTOSOMAL DOMINANT. Identifiers: Orphanet 139491, Orphanet 647834, Orphanet 648562, MedGen C1853733, MONDO:0011631, OMIM 606069.

Submission:

Labcorp Genetics (formerly Invitae), Labcorp
Classification: Uncertain significance for Hemochromatosis type 4. Last evaluated: 2025-12-15. Review status: criteria provided, single submitter. Criteria: Invitae Variant Classification Sherloc (09022015). Collection method: clinical testing. Allele origin: germline.
Comment: This sequence change replaces asparagine, which is neutral and polar, with histidine, which is basic and polar, at codon 141 of the SLC40A1 protein (p.Asn141His). This variant is not present in population databases (gnomAD no frequency). This variant has not been reported in the literature in individuals affected with SLC40A1-related conditions. Invitae Evidence Modeling of protein sequence and biophysical properties (such as structural, functional, and spatial information, amino acid conservation, physicochemical variation, residue mobility, and thermodynamic stability) indicates that this missense variant is expected to disrupt SLC40A1 protein function with a positive predictive value of 95%. In summary, the available evidence is currently insufficient to determine the role of this variant in disease. Therefore, it has been classified as a Variant of Uncertain Significance.